The following is an entry in ClinVar:

ClinVar aggregate classification (germline): Uncertain significance (1 of 4 stars; one submission).

Allele frequency attached by ClinVar (database versions not stated): gnomAD exomes below 0.00001.
gnomAD v4.1: 6 of 1,606,454 alleles (0.00037%); highest among the groups gnomAD compares: Non-Finnish European, 0.00051%; no homozygotes.

Submission:

GeneDx
Classification: Uncertain significance. Last evaluated: 2023-03-19. Review status: criteria provided, single submitter. Criteria: GeneDx Variant Classification Process June 2021. Collection method: clinical testing. Allele origin: germline. Affected: yes.
Comment: Not observed at significant frequency in large population cohorts (gnomAD); In silico analysis is inconclusive as to whether the variant alters gene splicing. In the absence of RNA/functional studies, the actual effect of this sequence change is unknown.; Has not been previously published as pathogenic or benign to our knowledge

NM_002609.4(PDGFRB):c.2023+4C>G

Gene: PDGFRB (platelet derived growth factor receptor beta; minus strand). Cytogenetic location: 5q32.
Variant type: single nucleotide variant.
Coding change: c.2023+4C>G on transcript NM_002609.4 (MANE Select); 4 bases into the intron after coding-DNA position 2023, C replaced by G.
Molecular consequence: intron variant.
Genome position (GRCh38, 1-based): chr5:150,124,246, G>C on the plus strand (C>G on the coding strand, the complement: PDGFRB is on the minus strand). VCF-style: chr5-150124246-G-C. GRCh37 (hg19) VCF-style: chr5-149503809-G-C.
Other names: c.1831+4C>G (NM_001355016.2); c.1540+4C>G (NM_001355017.2).
Identifiers: ClinVar variation 2580842 (VCV002580842.1), dbSNP rs1214561660, ClinGen allele CA563567256.